The following is an entry in ClinVar:

ClinVar aggregate classification (germline): Conflicting classifications of pathogenicity. Review status: criteria provided, conflicting classifications (1 of 4 stars). 3 submissions from 3 submitters: Uncertain significance (1); Likely benign (2). Last evaluated 2025-06-25.

Conditions:
Baraitser-Winter syndrome 1 (BRWS1). Also called: BARAITSER-WINTER SYNDROME 1, ATYPICAL; PACHYGYRIA, MENTAL RETARDATION, EPILEPSY, AND CHARACTERISTIC FACIES; MENTAL RETARDATION WITH EPILEPSY AND CHARACTERISTIC FACIES; Cerebrofrontofacial syndrome. Identifiers: Orphanet 2649, Orphanet 2995, MedGen C1855722, MONDO:0009470, OMIM 243310.

Allele frequency attached by ClinVar (database versions not stated): gnomAD exomes below 0.00001.
gnomAD v4.1: 7 of 1,614,014 alleles (0.00043%); highest among the groups gnomAD compares: South Asian, 0.0011%; no homozygotes.

Submissions (3):

Labcorp Genetics (formerly Invitae), Labcorp
Classification: Likely benign for Baraitser-Winter syndrome 1. Last evaluated: 2025-06-25. Review status: criteria provided, single submitter. Criteria: Invitae Variant Classification Sherloc (09022015). Collection method: clinical testing. Allele origin: germline.

Blueprint Genetics
Classification: Likely benign. Last evaluated: 2022-12-14. Review status: criteria provided, single submitter. Criteria: ACMG Guidelines, 2015. Collection method: clinical testing. Allele origin: germline.

GeneDx
Classification: Uncertain significance. Last evaluated: 2019-06-04. Review status: criteria provided, single submitter. Criteria: GeneDx Variant Classification Process June 2021. Collection method: clinical testing. Allele origin: germline. Affected: yes.
Comment: In silico analysis, which includes splice predictors and evolutionary conservation, supports that this variant does not alter protein structure/function; Has not been previously published as pathogenic or benign to our knowledge

NM_001101.5(ACTB):c.432C>T (p.Ala144=)

Gene: ACTB (actin beta; minus strand). Cytogenetic location: 7p22.1.
Variant type: single nucleotide variant.
Coding change: c.432C>T on transcript NM_001101.5 (MANE Select); coding-DNA position 432, C replaced by T.
Protein change: p.Ala144=; no amino-acid change (alanine 144 retained).
Molecular consequence: synonymous variant.
Genome position (GRCh38, 1-based): chr7:5,528,651, G>A on the plus strand (C>T on the coding strand, the complement: ACTB is on the minus strand). VCF-style: chr7-5528651-G-A. GRCh37 (hg19) VCF-style: chr7-5568282-G-A.
Identifiers: ClinVar variation 1306168 (VCV001306168.7), dbSNP rs1254718824, ClinGen allele CA453639265.